The following is an entry in ClinVar:

ClinVar aggregate classification (germline): Conflicting classifications of pathogenicity. Review status: criteria provided, conflicting classifications (1 of 4 stars). 4 submissions from 3 submitters: Pathogenic (1); Likely pathogenic (2); Uncertain significance (1). Last evaluated 2025-06-12.

Conditions:
Intellectual developmental disorder, X-linked 99, syndromic, female-restricted. Also called: Intellectual disability, X-linked 99, syndromic, female-restricted. Identifiers: MedGen C4225416, MONDO:0010502, OMIM 300968.
Intellectual developmental disorder, X-linked 99. Also called: Intellectual disability, X-linked 99. Identifiers: Orphanet 777, MedGen C3806746, MONDO:0010487, OMIM 300919.

Allele frequency attached by ClinVar (database versions not stated): gnomAD exomes below 0.00001.
gnomAD v4.1: 1 of 1,207,252 alleles (0.000083%); highest among the groups gnomAD compares: Non-Finnish European, 0.00011%; no homozygotes.

Submissions (4):

Labcorp Genetics (formerly Invitae), Labcorp
Classification: Uncertain significance. Last evaluated: 2025-06-12. Review status: criteria provided, single submitter. Criteria: Invitae Variant Classification Sherloc (09022015). Collection method: clinical testing. Allele origin: germline.
Comment: This sequence change falls in intron 10 of the USP9X gene. It does not directly change the encoded amino acid sequence of the USP9X protein. This variant is not present in population databases (gnomAD no frequency). This variant has been observed in individual(s) with clinical features of USP9X- related conditions (PMID: 36939041). ClinVar contains an entry for this variant (Variation ID: 384654). Algorithms developed to predict the effect of sequence changes on RNA splicing suggest that this variant may disrupt the consensus splice site. In summary, the available evidence is currently insufficient to determine the role of this variant in disease. Therefore, it has been classified as a Variant of Uncertain Significance.

GeneDx
Classification: Pathogenic. Last evaluated: 2023-03-02. Review status: criteria provided, single submitter. Criteria: GeneDx Variant Classification Process June 2021. Collection method: clinical testing. Allele origin: germline. Affected: yes.
Comment: Not observed in large population cohorts (gnomAD); Has not been previously published as pathogenic or benign to our knowledge; In silico analysis supports a deleterious effect on splicing

Baylor Genetics
Classification: Likely pathogenic for Intellectual developmental disorder, X-linked 99. Last evaluated: 2023-02-01. Review status: criteria provided, single submitter. Criteria: ACMG Guidelines, 2015. Collection method: clinical testing. Allele origin: unknown.

Baylor Genetics
Classification: Likely pathogenic for Intellectual developmental disorder, X-linked 99, syndromic, female-restricted. Last evaluated: 2023-02-01. Review status: criteria provided, single submitter. Criteria: ACMG Guidelines, 2015. Collection method: clinical testing. Allele origin: unknown.

Literature cited by the submitters: PubMed 36939041 (cited by Labcorp Genetics (formerly Invitae), Labcorp).

NM_001039591.3(USP9X):c.1315-4A>G

Gene: USP9X (ubiquitin specific peptidase 9 X-linked; plus strand). Cytogenetic location: Xp11.4.
Variant type: single nucleotide variant.
Coding change: c.1315-4A>G on transcript NM_001039591.3 (MANE Select); 4 bases into the intron before coding-DNA position 1315, A replaced by G.
Molecular consequence: intron variant.
Genome position (GRCh38, 1-based): chrX:41,144,518, A>G. VCF-style: chrX-41144518-A-G. GRCh37 (hg19) VCF-style: chrX-41003771-A-G.
Other names: c.1315-4A>G (NM_001039590.3).
Identifiers: ClinVar variation 384654 (VCV000384654.9), dbSNP rs1057522024, ClinGen allele CA16608923.